The following is an entry in ClinVar:

ClinVar aggregate classification (germline): Uncertain significance (1 of 4 stars; one submission).

Conditions:
Cardiovascular phenotype. Identifiers: MedGen CN230736.

Submission:

Ambry Genetics
Classification: Uncertain significance for Cardiovascular phenotype. Last evaluated: 2025-03-22. Review status: criteria provided, single submitter. Criteria: Ambry Variant Classification Scheme 2023. Collection method: clinical testing. Allele origin: germline.
Comment: The p.Y423* variant (also known as c.1269C>A), located in coding exon 8 of the TBX5 gene, results from a C to A substitution at nucleotide position 1269. This changes the amino acid from a tyrosine to a stop codon within coding exon 8. This alteration occurs at the 3' terminus of theTBX5 gene, is not expected to trigger nonsense-mediated mRNAdecay, and impacts the last 12% of the protein. The exact functional effect of this alteration is unknown. Based on the available evidence, the clinical significance of this variant remains unclear.

NM_181486.4(TBX5):c.1269C>A (p.Tyr423Ter)

Gene: TBX5 (T-box transcription factor 5; minus strand). Cytogenetic location: 12q24.21.
Variant type: single nucleotide variant.
Coding change: c.1269C>A on transcript NM_181486.4 (MANE Select); coding-DNA position 1269, C replaced by A.
Protein change: p.Tyr423Ter; replaces tyrosine 423 with a stop codon.
Molecular consequence: nonsense.
Genome position (GRCh38, 1-based): chr12:114,355,820, G>T on the plus strand (C>A on the coding strand, the complement: TBX5 is on the minus strand). VCF-style: chr12-114355820-G-T. GRCh37 (hg19) VCF-style: chr12-114793625-G-T.
Other names: c.1269C>A, p.Tyr423Ter (NM_000192.3); c.1119C>A, p.Tyr373Ter (NM_080717.4); short protein forms Y423*, Y373*.
Identifiers: ClinVar variation 3966300 (VCV003966300.1).